The following is an entry in ClinVar:

ClinVar aggregate classification (germline): Uncertain significance (1 of 4 stars; one submission).

Submission:

Labcorp Genetics (formerly Invitae), Labcorp
Classification: Uncertain significance. Last evaluated: 2023-02-06. Review status: criteria provided, single submitter. Criteria: Invitae Variant Classification Sherloc (09022015). Collection method: clinical testing. Allele origin: germline.
Comment: Advanced modeling of protein sequence and biophysical properties (such as structural, functional, and spatial information, amino acid conservation, physicochemical variation, residue mobility, and thermodynamic stability) performed at Invitae indicates that this missense variant is expected to disrupt ABCA4 protein function. In summary, the available evidence is currently insufficient to determine the role of this variant in disease. Therefore, it has been classified as a Variant of Uncertain Significance. This missense change has been observed in individual(s) with clinical features of Stargardt disease (Invitae). This variant is not present in population databases (gnomAD no frequency). This sequence change replaces aspartic acid, which is acidic and polar, with glutamic acid, which is acidic and polar, at codon 1086 of the ABCA4 protein (p.Asp1086Glu).

NM_000350.3(ABCA4):c.3258C>G (p.Asp1086Glu)

Gene: ABCA4 (ATP binding cassette subfamily A member 4; minus strand). Cytogenetic location: 1p22.1.
Variant type: single nucleotide variant.
Coding change: c.3258C>G on transcript NM_000350.3 (MANE Select); coding-DNA position 3258, C replaced by G.
Protein change: p.Asp1086Glu; replaces aspartic acid 1086 with glutamic acid.
Molecular consequence: missense variant.
Genome position (GRCh38, 1-based): chr1:94,042,831, G>C on the plus strand (C>G on the coding strand, the complement: ABCA4 is on the minus strand). VCF-style: chr1-94042831-G-C. GRCh37 (hg19) VCF-style: chr1-94508387-G-C.
Other names: c.3036C>G, p.Asp1012Glu (NM_001425324.1); short protein forms D1086E, D1012E.
Identifiers: ClinVar variation 2828253 (VCV002828253.3), dbSNP rs779523100, ClinGen allele CA341292159.
Genomic context (GRCh38, chr1:94,042,831, plus strand): 5'-CTTCAGGAGCAGATCCCAGATTGAGCGTCTCGAGTAAGGGTCCACCCCAGAGGTGGGTTC[G>C]TCCAGAATCACCACCTTGGCATCTCCCACAAAGGCAATGGCAACCGACAGCTTTCTCTGC-3'
Protein context (NP_000341.2, residues 1076-1096): FVGDAKVVIL[Asp1086Glu]EPTSGVDPYS